The following is an entry in ClinVar:

ClinVar aggregate classification (germline): Uncertain significance (1 of 4 stars; one submission).

Allele frequency attached by ClinVar (database versions not stated): gnomAD exomes below 0.00001; ExAC 0.00001; gnomAD 0.00001; TOPMed 0.00001.
gnomAD v4.1: 6 of 1,614,064 alleles (0.00037%); highest among the groups gnomAD compares: Non-Finnish European, 0.00051%; no homozygotes.

Submission:

Labcorp Genetics (formerly Invitae), Labcorp
Classification: Uncertain significance. Last evaluated: 2021-02-22. Review status: criteria provided, single submitter. Criteria: Invitae Variant Classification Sherloc (09022015). Collection method: clinical testing. Allele origin: germline.
Comment: In summary, the available evidence is currently insufficient to determine the role of this variant in disease. Therefore, it has been classified as a Variant of Uncertain Significance. Algorithms developed to predict the effect of missense changes on protein structure and function (SIFT, PolyPhen-2, Align-GVGD) all suggest that this variant is likely to be tolerated, but these predictions have not been confirmed by published functional studies and their clinical significance is uncertain. This variant has not been reported in the literature in individuals with IMPAD1-related conditions. This variant is present in population databases (rs768405549, ExAC 0.001%). This sequence change replaces threonine with alanine at codon 256 of the IMPAD1 protein (p.Thr256Ala). The threonine residue is moderately conserved and there is a small physicochemical difference between threonine and alanine.

NM_017813.5(BPNT2):c.766A>G (p.Thr256Ala)

Gene: BPNT2 (3'(2'), 5'-bisphosphate nucleotidase 2; minus strand). Cytogenetic location: 8q12.1.
Variant type: single nucleotide variant.
Coding change: c.766A>G on transcript NM_017813.5 (MANE Select); coding-DNA position 766, A replaced by G.
Protein change: p.Thr256Ala; replaces threonine 256 with alanine.
Molecular consequence: missense variant.
Genome position (GRCh38, 1-based): chr8:56,966,233, T>C on the plus strand (A>G on the coding strand, the complement: BPNT2 is on the minus strand). VCF-style: chr8-56966233-T-C. GRCh37 (hg19) VCF-style: chr8-57878792-T-C.
Other names: short protein forms T256A.
Identifiers: ClinVar variation 1681093 (VCV001681093.8), dbSNP rs768405549, ClinGen allele CA4755820.